The following is an entry in ClinVar:

ClinVar aggregate classification (germline): Uncertain significance. Review status: criteria provided, multiple submitters, no conflicts (2 of 4 stars). 3 submissions from 3 submitters: Uncertain significance (3). Last evaluated 2025-11-24.

Conditions:
Autosomal dominant aplasia and myelodysplasia. Also called: Bone marrow failure syndrome 1. Identifiers: Orphanet 314399, MedGen C3808553, MONDO:0013851, OMIM 614675.

Allele frequency attached by ClinVar (database versions not stated): ExAC 0.00001.

Submissions (3):

Ambry Genetics
Classification: Uncertain significance. Last evaluated: 2025-11-24. Review status: criteria provided, single submitter. Criteria: Ambry Variant Classification Scheme 2023. Collection method: clinical testing. Allele origin: germline.
Comment: The p.V634L variant (also known as c.1900G>C), located in coding exon 19 of the SRP72 gene, results from a G to C substitution at nucleotide position 1900. The valine at codon 634 is replaced by leucine, an amino acid with highly similar properties. This amino acid position is conserved. In addition, this alteration is predicted to be tolerated by in silico analysis. Based on the available evidence, the clinical significance of this variant remains unclear.

Labcorp Genetics (formerly Invitae), Labcorp
Classification: Uncertain significance. Last evaluated: 2023-11-06. Review status: criteria provided, single submitter. Criteria: Invitae Variant Classification Sherloc (09022015). Collection method: clinical testing. Allele origin: germline.
Comment: This sequence change replaces valine, which is neutral and non-polar, with leucine, which is neutral and non-polar, at codon 634 of the SRP72 protein (p.Val634Leu). This variant is present in population databases (rs771569541, gnomAD 0.006%). This variant has not been reported in the literature in individuals affected with SRP72-related conditions. An algorithm developed to predict the effect of missense changes on protein structure and function (PolyPhen-2) suggests that this variant is likely to be tolerated. In summary, the available evidence is currently insufficient to determine the role of this variant in disease. Therefore, it has been classified as a Variant of Uncertain Significance.

Neuberg Centre For Genomic Medicine, NCGM
Classification: Uncertain significance for Autosomal dominant aplasia and myelodysplasia. Review status: criteria provided, single submitter. Criteria: ACMG Guidelines, 2015. Collection method: clinical testing. Allele origin: germline. Inheritance: Autosomal dominant inheritance. Affected: yes.
Comment: The missense variant c.1900G>C (p.Val634Leu) in SRP72 gene has not been reported previously as a pathogenic variant nor as a benign variant, to our knowledge. The p.Val634Leu variant has allele frequency of 0.0008% in the gnomAD and novel (not in any individuals) in 1000 genome database. This variant has not been reported to the ClinVar database. The amino acid Val at position 634 is changed to a Leu changing protein sequence and it might alter its composition and physico-chemical properties. The amino acid change p.Val634Leu in SRP72 is predicted as conserved by GERP++ and PhyloP across 100 vertebrates. For these reasons, this variant has been classified as Uncertain Significance (VUS)

NM_006947.4(SRP72):c.1900G>C (p.Val634Leu)

Gene: SRP72 (signal recognition particle 72; plus strand). Cytogenetic location: 4q12.
Variant type: single nucleotide variant.
Coding change: c.1900G>C on transcript NM_006947.4 (MANE Select); coding-DNA position 1900, G replaced by C.
Protein change: p.Val634Leu; replaces valine 634 with leucine.
Molecular consequence: missense variant. On other transcripts: non-coding transcript variant (1).
Genome position (GRCh38, 1-based): chr4:56,501,745, G>C. VCF-style: chr4-56501745-G-C. GRCh37 (hg19) VCF-style: chr4-57367911-G-C.
Other names: c.1900G>C (NM_006947.3); c.1717G>C, p.Val573Leu (NM_001267722.2); short protein forms V573L, V634L.
Identifiers: ClinVar variation 2585164 (VCV002585164.5), dbSNP rs771569541, ClinGen allele CA2931510.
Genomic context (GRCh38, chr4:56,501,745, plus strand): 5'-GATGCCAGTAAAACTGTGAGCAGCCCACCCACCTCCCCAAGACCTGGCAGTGCTGCAACA[G>C]TATCTGCCTCTACAAGTAACATCATACCCCCAAGACACCAGAAACCTGCAGGGGCTCCAG-3'
Protein context (NP_008878.3, residues 624-644): TSPRPGSAAT[Val634Leu]SASTSNIIPP